The following is an entry in ClinVar:

ClinVar aggregate classification (germline): Uncertain significance (1 of 4 stars; one submission).

Conditions:
Inborn genetic diseases. Identifiers: MedGen C0950123, MeSH D030342.

gnomAD v4.1: 1 of 1,612,626 alleles (0.000062%); highest among the groups gnomAD compares: African/African-American, 0.0013%; no homozygotes.

Submission:

Ambry Genetics
Classification: Uncertain significance for Inborn genetic diseases. Last evaluated: 2025-08-01. Review status: criteria provided, single submitter. Criteria: Ambry Variant Classification Scheme 2023. Collection method: clinical testing. Allele origin: germline.
Comment: The p.L474V variant (also known as c.1420C>G), located in coding exon 13 of the ANKRD26 gene, results from a C to G substitution at nucleotide position 1420. The leucine at codon 474 is replaced by valine, an amino acid with highly similar properties. This amino acid position is conserved. In addition, this alteration is predicted to be tolerated by in silico analysis. Based on the available evidence, the clinical significance of this variant remains unclear.

NM_014915.3(ANKRD26):c.1420C>G (p.Leu474Val)

Gene: ANKRD26 (ankyrin repeat domain containing 26; minus strand). Cytogenetic location: 10p12.1.
Variant type: single nucleotide variant.
Coding change: c.1420C>G on transcript NM_014915.3 (MANE Select); coding-DNA position 1420, C replaced by G.
Protein change: p.Leu474Val; replaces leucine 474 with valine.
Molecular consequence: missense variant.
Genome position (GRCh38, 1-based): chr10:27,061,186, G>C on the plus strand (C>G on the coding strand, the complement: ANKRD26 is on the minus strand). VCF-style: chr10-27061186-G-C. GRCh37 (hg19) VCF-style: chr10-27350115-G-C.
Other names: c.1420C>G, p.Leu474Val (NM_001256053.2); short protein forms L474V.
Identifiers: ClinVar variation 4103948 (VCV004103948.1).
Genomic context (GRCh38, chr10:27,061,186, plus strand): 5'-CGCATTTTTTTTCCATACCCATGTGGGCTACTGGCATGCCTACATTTCTTGTATCCTCTA[G>C]TTTAGCCATCTTAAAGTTTCTTGATCCACTCATGCAAGAAGGTATATAAAACACATCTAA-3'
Protein context (NP_055730.2, residues 464-484): SGSRNFKMAK[Leu474Val]EDTRNVGMPV